The following is an entry in ClinVar:

ClinVar aggregate classification (germline): Uncertain significance. Review status: criteria provided, multiple submitters, no conflicts (2 of 4 stars). 2 submissions from 2 submitters: Uncertain significance (2). Last evaluated 2026-03-08.

Conditions:
Neuropathy, hereditary sensory, type 2C. Also called: KIF1A-Related HSAN2 (HSAN2C); Hereditary sensory and autonomic neuropathy type IIC. Identifiers: Orphanet 970, MedGen C3280168, MONDO:0013634, OMIM 614213.
Hereditary spastic paraplegia 30. Identifiers: Orphanet 101010, MedGen C5235139, MONDO:0012476.
Intellectual disability, autosomal dominant 9 (NESCAVS). Also called: NESCAV SYNDROME; KIF1A-Related Neurodevelopmental Disorder. Identifiers: Orphanet 662367, MedGen C5393830, MONDO:0013656, OMIM 614255.

Submissions (2):

GeneDx
Classification: Uncertain significance. Last evaluated: 2026-03-08. Review status: criteria provided, single submitter. Criteria: GeneDx Variant Classification Process June 2021. Collection method: clinical testing. Allele origin: germline.
Comment: Not observed at significant frequency in large population cohorts (gnomAD); In silico analysis supports that this missense variant has a deleterious effect on protein structure/function; Has not been previously published as pathogenic or benign to our knowledge; This variant is associated with the following publications: (PMID: 26125038, 21820098, 21376300)

Labcorp Genetics (formerly Invitae), Labcorp
Classification: Uncertain significance for Hereditary spastic paraplegia 30; Neuropathy, hereditary sensory, type 2C; Intellectual disability, autosomal dominant 9. Last evaluated: 2023-03-02. Review status: criteria provided, single submitter. Criteria: Invitae Variant Classification Sherloc (09022015). Collection method: clinical testing. Allele origin: germline.
Comment: This variant is not present in population databases (gnomAD no frequency). In summary, the available evidence is currently insufficient to determine the role of this variant in disease. Therefore, it has been classified as a Variant of Uncertain Significance. Advanced modeling of protein sequence and biophysical properties (such as structural, functional, and spatial information, amino acid conservation, physicochemical variation, residue mobility, and thermodynamic stability) performed at Invitae indicates that this missense variant is expected to disrupt KIF1A protein function. ClinVar contains an entry for this variant (Variation ID: 1356978). This variant has not been reported in the literature in individuals affected with KIF1A-related conditions. This sequence change replaces methionine, which is neutral and non-polar, with valine, which is neutral and non-polar, at codon 147 of the KIF1A protein (p.Met147Val).

NM_001244008.2(KIF1A):c.439A>G (p.Met147Val)

Gene: KIF1A (kinesin family member 1A; minus strand). Cytogenetic location: 2q37.3.
Variant type: single nucleotide variant.
Coding change: c.439A>G on transcript NM_001244008.2 (MANE Select); coding-DNA position 439, A replaced by G.
Protein change: p.Met147Val; replaces methionine 147 with valine.
Molecular consequence: missense variant.
Genome position (GRCh38, 1-based): chr2:240,786,504, T>C on the plus strand (A>G on the coding strand, the complement: KIF1A is on the minus strand). VCF-style: chr2-240786504-T-C. GRCh37 (hg19) VCF-style: chr2-241725921-T-C.
Other names: c.439A>G, p.Met147Val (NM_001320705.2, NM_001330289.2, NM_001330290.2 and 20 more transcripts); c.439A>G (NM_004321.6); short protein forms M147V.
Identifiers: ClinVar variation 1356978 (VCV001356978.9), dbSNP rs2054764091, ClinGen allele CA351307190.